The following is an entry in ClinVar:

NM_012193.4(FZD4):c.169G>T (p.Gly57Cys)

Gene: FZD4 (frizzled class receptor 4; minus strand). Cytogenetic location: 11q14.2.
Variant type: single nucleotide variant.
Coding change: c.169G>T on transcript NM_012193.4 (MANE Select); coding-DNA position 169, G replaced by T.
Protein change: p.Gly57Cys; replaces glycine 57 with cysteine.
Molecular consequence: missense variant.
Genome position (GRCh38, 1-based): chr11:86,954,917, C>A on the plus strand (G>T on the coding strand, the complement: FZD4 is on the minus strand). VCF-style: chr11-86954917-C-A. GRCh37 (hg19) VCF-style: chr11-86665959-C-A.
Other names: short protein forms G57C.
Identifiers: ClinVar variation 4540451 (VCV004540451.1).

ClinVar aggregate classification (germline): Likely pathogenic (1 of 4 stars; one submission).

Conditions:
Retinal disorder. Also called: Retinopathies; Retinal Diseases; Retinal disorders; Retinopathy. Identifiers: MedGen C0035309, MONDO:0005283, HP:0000488.

Submission:

Genetics Laboratory, Great Ormond Street Hospital NHS Foundation Trust, North Thames Genomic Laboratory Hub
Classification: Likely pathogenic for Retinal disorders. Last evaluated: 2025-11-03. Review status: criteria provided, single submitter. Criteria: ACGS Best Practice Guidelines for Variant Classification in Rare Disease 2024 v1.2. Collection method: clinical testing. Allele origin: germline. Affected: yes.
Comment: PS4_supporting, PM2_moderate, PP3_supporting, PM5_moderate